The following is an entry in ClinVar:

NM_007294.4(BRCA1):c.5450A>G (p.Glu1817Gly)

Gene: BRCA1 (BRCA1 DNA repair associated; minus strand). Cytogenetic location: 17q21.31.
Variant type: single nucleotide variant.
Coding change: c.5450A>G on transcript NM_007294.4 (MANE Select); coding-DNA position 5450, A replaced by G.
Protein change: p.Glu1817Gly; replaces glutamic acid 1817 with glycine.
Molecular consequence: missense variant. On other transcripts: synonymous variant (17).
Genome position (GRCh38, 1-based): chr17:43,047,660, T>C on the plus strand (A>G on the coding strand, the complement: BRCA1 is on the minus strand). VCF-style: chr17-43047660-T-C. GRCh37 (hg19) VCF-style: chr17-41199677-T-C.
Other names: c.5232A>G, p.Arg1744= (NM_001407944.1, NM_001407945.1, NM_001407943.1); c.5117A>G, p.Glu1706Gly (NM_001407946.1, NM_001407947.1, NM_001407948.1 and 1 more transcripts); c.5114A>G, p.Glu1705Gly (NM_001407950.1, NM_001407951.1, NM_001407952.1 and 3 more transcripts); c.5111A>G, p.Glu1704Gly (NM_001407956.1, NM_001407957.1, NM_001407958.1); c.5069A>G, p.Glu1690Gly (NM_001407959.1); c.5066A>G, p.Glu1689Gly (NM_001407960.1, NM_001407962.1); c.5063A>G, p.Glu1688Gly (NM_001407963.1); c.4988A>G, p.Glu1663Gly (NM_001407964.1); and 83 more; short protein forms E1817G, E1838G, E1770G, E713G, E1521G, E1704G, E1727G, E1746G.
Identifiers: ClinVar variation 867399 (VCV000867399.3), dbSNP rs2050981907, ClinGen allele CA10590496.

Conditions:
Breast-ovarian cancer, familial, susceptibility to, 1 (BROVCA1). Also called: BRCA1 Hereditary Breast and Ovarian Cancer; OVARIAN CANCER, SUSCEPTIBILITY TO. Identifiers: Orphanet 145, MedGen C2676676, MONDO:0011450, OMIM 604370. Disease mechanism: loss of function.

Allele frequency attached by ClinVar (database versions not stated): gnomAD 0.00001.
gnomAD v4.1: 1 of 1,614,098 alleles (0.000062%); highest among the groups gnomAD compares: Admixed American, 0.0017%; no homozygotes.

Submission:

Brotman Baty Institute, University of Washington
No classification provided (evidence only). Condition: Breast-ovarian cancer, familial 1. Review status: no classification provided. Collection method: in vitro. Allele origin: not applicable. Functional consequence: functionally_normal.
ClinVar note: "not provided" was previously submitted as the classification for the variant. However, the classification appeared to be based only on an observation of functional data so it was converted to no classification on 2025-07-30.